The following is an entry in ClinVar:

NM_006885.4(ZFHX3):c.2287dup (p.Glu763fs)

Gene: ZFHX3 (zinc finger homeobox 3; minus strand). Cytogenetic location: 16q22.3.
Variant type: Duplication.
Coding change: c.2287dup on transcript NM_006885.4 (MANE Select); coding-DNA position 2287, one base duplicated (G; older notation c.2287dupG).
Protein change: p.Glu763fs; shifts the reading frame from glutamic acid 763.
Molecular consequence: frameshift variant. On other transcripts: intron variant (1).
Genome position (GRCh38, 1-based): chr16:72,957,859, C duplicated on the plus strand (G on the coding strand, the reverse complement: ZFHX3 is on the minus strand); the first of 7 consecutive C bases (chr16:72,957,859-72,957,865); duplicating any one gives the same sequence. VCF-style (leftmost placement, unchanged base first): chr16-72957858-T-TC. GRCh37 (hg19) VCF-style: chr16-72991757-T-TC.
Other names: c.2287dup, p.Glu763fs (NM_001386735.1); c.-23-6894dup (NM_001164766.2); short protein forms E763fs.
Identifiers: ClinVar variation 3346537 (VCV003346537.1).

ClinVar aggregate classification (germline): Likely pathogenic (0 of 4 stars; one submission).

Conditions:
ZFHX3-related disorder. Also called: ZFHX3-related condition.

Submission:

PreventionGenetics, part of Exact Sciences
Classification: Likely pathogenic for ZFHX3-related condition. Last evaluated: 2024-08-28. Review status: no assertion criteria provided. Collection method: clinical testing. Allele origin: germline.
Comment: The ZFHX3 c.2287dupG variant is predicted to result in a frameshift and premature protein termination (p.Glu763Glyfs*26). This variant is reported in 0.0027% of alleles in individuals of European (Non-Finnish) descent in gnomAD, although data quality at this position is questionable and should be treated with caution. Frameshift variants in ZFHX3 are likely to be pathogenic. Taken together, this variant is interpreted as likely pathogenic.